The following is an entry in ClinVar:

ClinVar aggregate classification (germline): Conflicting classifications of pathogenicity. Review status: criteria provided, conflicting classifications (1 of 4 stars). 4 submissions from 4 submitters: Uncertain significance (3); Likely benign (1). Last evaluated 2026-02-02.

Conditions:
Papillary renal cell carcinoma type 1 (RCCP1). Also called: RENAL CELL CARCINOMA, PAPILLARY, 1, SOMATIC; Renal adenocarcinoma; Renal cell carcinoma 1; Renal cell carcinoma, somatic. Identifiers: Orphanet 47044, MedGen C1336839, OMIM 605074, HP:0011797.
Renal cell carcinoma. Identifiers: Orphanet 217071, MedGen C0007134, MeSH D002292, MONDO:0005086, HP:0005584.
Hereditary cancer-predisposing syndrome. Also called: Tumor predisposition; Hereditary neoplastic syndrome; Neoplastic Syndromes, Hereditary; Hereditary Cancer Syndrome. Identifiers: Orphanet 140162, MedGen C0027672, MeSH D009386, MONDO:0015356.

Allele frequency attached by ClinVar (database versions not stated): ESP Exome Variant Server 0.00008; gnomAD exomes 0.00001 and below 0.00001; gnomAD 0.00004; TOPMed 0.00006; ExAC 0.00001.
gnomAD v4.1: 12 of 1,613,858 alleles (0.00074%); highest among the groups gnomAD compares: Admixed American, 0.0083%; no homozygotes.

Submissions (4):

Labcorp Genetics (formerly Invitae), Labcorp
Classification: Uncertain significance for Renal cell carcinoma. Last evaluated: 2026-02-02. Review status: criteria provided, single submitter. Criteria: Invitae Variant Classification Sherloc (09022015). Collection method: clinical testing. Allele origin: germline.
Comment: This sequence change replaces arginine, which is basic and polar, with glutamine, which is neutral and polar, at codon 143 of the MET protein (p.Arg143Gln). This variant is present in population databases (rs35469582, gnomAD 0.003%). This variant has not been reported in the literature in individuals affected with MET-related conditions. ClinVar contains an entry for this variant (Variation ID: 524854). Invitae Evidence Modeling of protein sequence and biophysical properties (such as structural, functional, and spatial information, amino acid conservation, physicochemical variation, residue mobility, and thermodynamic stability) indicates that this missense variant is not expected to disrupt MET protein function with a negative predictive value of 80%. In summary, the available evidence is currently insufficient to determine the role of this variant in disease. Therefore, it has been classified as a Variant of Uncertain Significance.

Ambry Genetics
Classification: Likely benign for Hereditary cancer-predisposing syndrome. Last evaluated: 2025-11-13. Review status: criteria provided, single submitter. Criteria: Ambry Variant Classification Scheme 2023. Collection method: clinical testing. Allele origin: germline.

GeneDx
Classification: Uncertain significance. Last evaluated: 2025-07-20. Review status: criteria provided, single submitter. Criteria: GeneDx Variant Classification Process June 2021. Collection method: clinical testing. Allele origin: germline.
Comment: Not observed at significant frequency in large population cohorts (gnomAD); In silico analysis suggests that this missense variant does not alter protein structure/function; Has not been previously published as pathogenic or benign to our knowledge

Mendelics
Classification: Uncertain significance for Renal cell carcinoma, papillary, 1. Last evaluated: 2018-07-02. Review status: criteria provided, single submitter. Criteria: Mendelics Assertion Criteria 2017. Collection method: clinical testing. Allele origin: unknown.

NM_000245.4(MET):c.428G>A (p.Arg143Gln)

Gene: MET (MET proto-oncogene, receptor tyrosine kinase; plus strand). Cytogenetic location: 7q31.2.
Variant type: single nucleotide variant.
Coding change: c.428G>A on transcript NM_000245.4 (MANE Select); coding-DNA position 428, G replaced by A.
Protein change: p.Arg143Gln; replaces arginine 143 with glutamine.
Molecular consequence: missense variant. On other transcripts: intron variant (1).
Genome position (GRCh38, 1-based): chr7:116,699,512, G>A. VCF-style: chr7-116699512-G-A. GRCh37 (hg19) VCF-style: chr7-116339566-G-A.
Other names: c.428G>A, p.Arg143Gln (NM_001127500.3, NM_001324401.3); c.-91+26935G>A (NM_001324402.2); short protein forms R143Q.
Identifiers: ClinVar variation 524854 (VCV000524854.18), dbSNP rs35469582, ClinGen allele CA4447991.